The following is an entry in ClinVar:

NM_000051.4(ATM):c.5649del (p.Thr1884fs)

Gene: ATM (ATM serine/threonine kinase; plus strand). Cytogenetic location: 11q22.3.
Variant type: Deletion.
Coding change: c.5649del on transcript NM_000051.4 (MANE Select); coding-DNA position 5649, one base deleted (C; older notation c.5649delC).
Protein change: p.Thr1884fs; shifts the reading frame from threonine 1884.
Molecular consequence: frameshift variant.
Genome position (GRCh38, 1-based): chr11:108,304,827, C deleted; the last of 2 consecutive C bases (chr11:108,304,826-108,304,827); deleting either gives the same sequence. VCF-style (leftmost placement, unchanged base first): chr11-108304825-TC-T. GRCh37 (hg19) VCF-style: chr11-108175552-TC-T.
Other names: c.5649del, p.Thr1884fs (NM_001351834.2); short protein forms T1884fs.
Identifiers: ClinVar variation 956313 (VCV000956313.7), dbSNP rs2083605298, ClinGen allele CA1139662322.

ClinVar aggregate classification (germline): Pathogenic (1 of 4 stars; one submission).

Conditions:
Ataxia-telangiectasia syndrome (AT). Also called: LOUIS-BAR SYNDROME; Ataxia telangiectasia (A-T); Cerebello-oculocutaneous telangiectasia; Immunodeficiency with ataxia telangiectasia; ATAXIA-TELANGIECTASIA, COMPLEMENTATION GROUP A; ATAXIA-TELANGIECTASIA, FRESNO VARIANT. Identifiers: Orphanet 100, MedGen C0004135, MONDO:0008840, OMIM 208900.

Submission:

Labcorp Genetics (formerly Invitae), Labcorp
Classification: Pathogenic for Ataxia-telangiectasia syndrome. Last evaluated: 2019-07-25. Review status: criteria provided, single submitter. Criteria: Invitae Variant Classification Sherloc (09022015). Collection method: clinical testing. Allele origin: germline.
Comment: This sequence change creates a premature translational stop signal (p.Thr1884Glnfs*33) in the ATM gene. It is expected to result in an absent or disrupted protein product. This variant is not present in population databases (ExAC no frequency). This variant has not been reported in the literature in individuals with ATM-related conditions. Loss-of-function variants in ATM are known to be pathogenic (PMID: 23807571, 25614872). For these reasons, this variant has been classified as Pathogenic.

Literature cited by the submitters: PubMed 23807571; PubMed 25614872.